The following is an entry in ClinVar:

ClinVar aggregate classification (germline): Conflicting classifications of pathogenicity. Review status: criteria provided, conflicting classifications (1 of 4 stars). 8 submissions from 8 submitters: Uncertain significance (2); Benign (2); Likely benign (3). 1 of the submissions does not count toward it. Last evaluated 2026-01-18.

Conditions:
Hereditary cancer-predisposing syndrome. Also called: Tumor predisposition; Neoplastic Syndromes, Hereditary; Hereditary Cancer Syndrome; Hereditary neoplastic syndrome. Identifiers: Orphanet 140162, MedGen C0027672, MeSH D009386, MONDO:0015356.
Hereditary breast ovarian cancer syndrome. Also called: Hereditary breast and ovarian cancer syndrome (HBOC); Hereditary breast and ovarian cancer syndrome; Hereditary breast and ovarian cancer; Hereditary breast and/or ovarian cancer syndrome; Breast and ovarian cancer; BRCA1- and BRCA2-Associated Hereditary Breast and Ovarian Cancer. Identifiers: Orphanet 145, MedGen C0677776, MeSH D061325, MONDO:0003582. Disease mechanism: loss of function.
Breast-ovarian cancer, familial, susceptibility to, 1 (BROVCA1). Also called: OVARIAN CANCER, SUSCEPTIBILITY TO; BRCA1 Hereditary Breast and Ovarian Cancer. Identifiers: Orphanet 145, MedGen C2676676, MONDO:0011450, OMIM 604370. Disease mechanism: loss of function.

Allele frequency attached by ClinVar (database versions not stated): gnomAD exomes 0.00004 and 0.00009; gnomAD 0.00021; TOPMed 0.00022.
gnomAD v4.1: 55 of 1,613,616 alleles (0.0034%); highest among the groups gnomAD compares: Admixed American, 0.09%; no homozygotes.

Submissions (8):

Labcorp Genetics (formerly Invitae), Labcorp
Classification: Benign for Hereditary breast ovarian cancer syndrome. Last evaluated: 2026-01-18. Review status: criteria provided, single submitter. Criteria: Invitae Variant Classification Sherloc (09022015). Collection method: clinical testing. Allele origin: germline.

GeneDx
Classification: Uncertain significance. Last evaluated: 2025-06-27. Review status: criteria provided, single submitter. Criteria: GeneDx Variant Classification Process June 2021. Collection method: clinical testing. Allele origin: germline. Affected: yes.
Comment: In silico analysis supports that this missense variant has a deleterious effect on protein structure/function; Has not been previously published as pathogenic or benign to our knowledge; Also known as 3526C>G; This variant is associated with the following publications: (PMID: 16518693, 12531920, 34981296)

ARUP Laboratories, Molecular Genetics and Genomics, ARUP Laboratories
Classification: Benign. Last evaluated: 2024-01-26. Review status: criteria provided, single submitter. Criteria: ARUP Molecular Germline Variant Investigation Process 2024. Collection method: clinical testing. Allele origin: germline.

Quest Diagnostics Nichols Institute San Juan Capistrano
Classification: Likely benign. Last evaluated: 2023-11-28. Review status: criteria provided, single submitter. Criteria: Quest Diagnostics criteria. Collection method: clinical testing. Allele origin: unknown.

University of Washington Department of Laboratory Medicine, University of Washington
Classification: Likely benign for Hereditary cancer-predisposing syndrome. Last evaluated: 2023-03-23. Review status: criteria provided, single submitter. Criteria: Dines et al. (Genet Med. 2020). Collection method: curation. Allele origin: germline.
Comment: Missense variant in a coldspot region where missense variants are very unlikely to be pathogenic (PMID:31911673).

BRCA1 coldspot (exon 11 using historical exon numbering). Reclassification based on statistical prior probability

St. Jude Molecular Pathology, St. Jude Children's Research Hospital
Classification: Uncertain significance for Breast-ovarian cancer, familial, susceptibility to, 1. Last evaluated: 2022-10-05. Review status: criteria provided, single submitter. Criteria: St. Jude Assertion Criteria 2020. Collection method: clinical testing. Allele origin: germline.
Comment: The BRCA1 c.3407C>G (p.Pro1136Arg) missense change has a maximum subpopulation frequency of 0.064% in gnomAD v2.1.1. The in silico tool REVEL is inconclusive about a pathogenic or benign effect of this variant on protein function, and to our knowledge functional studies have not been performed. This variant is absent in the FLOSSIES database which contains genetic variants from women older than 70 years of age who have never had cancer. To our knowledge, this variant has not been reported in individuals with hereditary breast and ovarian cancer or Fanconi anemia. In summary, the evidence currently available is insufficient to determine the clinical significance of this variant. It has therefore been classified as of uncertain significance.

Ambry Genetics
Classification: Likely benign for Hereditary cancer-predisposing syndrome. Last evaluated: 2020-08-25. Review status: criteria provided, single submitter. Criteria: Ambry Variant Classification Scheme 2023. Collection method: clinical testing. Allele origin: germline.

Breast Cancer Information Core (BIC) (BRCA1)
Classification: Uncertain significance for Breast-ovarian cancer, familial 1. Last evaluated: 1999-12-30. Review status: no assertion criteria provided. Collection method: clinical testing. Allele origin: germline. Affected: yes. Observed: 1 variant allele. Not counted in ClinVar's aggregate classification.

Literature cited by the submitters: PubMed 12531920 (cited by Quest Diagnostics Nichols Institute San Juan Capistrano); PubMed 16518693 (cited by Quest Diagnostics Nichols Institute San Juan Capistrano); PubMed 34981296 (cited by Quest Diagnostics Nichols Institute San Juan Capistrano); PubMed 31911673 (cited by Quest Diagnostics Nichols Institute San Juan Capistrano).

NM_007294.4(BRCA1):c.3407C>G (p.Pro1136Arg)

Genes: BRCA1 (BRCA1 DNA repair associated; minus strand), LOC126862571 (BRD4-independent group 4 enhancer GRCh37_chr17:41243136-41244335; plus strand). Cytogenetic location: 17q21.31.
Variant type: single nucleotide variant.
Coding change: c.3407C>G on transcript NM_007294.4 (MANE Select); coding-DNA position 3407, C replaced by G.
Protein change: p.Pro1136Arg; replaces proline 1136 with arginine.
Molecular consequence: missense variant. On other transcripts: intron variant (135).
Genome position (GRCh38, 1-based): chr17:43,092,124, G>C on the plus strand (C>G on the coding strand, the complement: BRCA1 is on the minus strand). VCF-style: chr17-43092124-G-C. GRCh37 (hg19) VCF-style: chr17-41244141-G-C.
Other names: c.3407C>G, p.Pro1136Arg (NM_001407585.1, NM_001407593.1, NM_001407594.1 and 30 more transcripts); c.3404C>G, p.Pro1135Arg (NM_001407587.1, NM_001407590.1, NM_001407591.1 and 22 more transcripts); c.3398C>G, p.Pro1133Arg (NM_001407646.1, NM_001407647.1); c.3284C>G, p.Pro1095Arg (NM_001407648.1, NM_001407664.1, NM_001407665.1 and 19 more transcripts); c.3281C>G, p.Pro1094Arg (NM_001407649.1, NM_001407670.1, NM_001407671.1 and 11 more transcripts); c.3329C>G, p.Pro1110Arg (NM_001407653.1, NM_001407654.1, NM_001407655.1 and 4 more transcripts); c.3326C>G, p.Pro1109Arg (NM_001407659.1, NM_001407660.1, NM_001407661.1 and 1 more transcripts); c.3266C>G, p.Pro1089Arg (NM_001407692.1, NM_001407694.1, NM_001407695.1 and 29 more transcripts); and 41 more; short protein forms P1136R, P1089R, P1024R, P1088R, P1094R, P1095R, P1135R, P968R.
Identifiers: ClinVar variation 54869 (VCV000054869.23), dbSNP rs80357329, ClinGen allele CA002202.